The following is an entry in ClinVar:

ClinVar aggregate classification (germline): Uncertain significance (1 of 4 stars; one submission).

Conditions:
Fanconi anemia complementation group L (FANCL). Also called: FANCL-Related Fanconi Anemia. Identifiers: Orphanet 84, MedGen C3469528, MONDO:0013566, OMIM 614083.

Submission:

Center for Genomics, Ann and Robert H. Lurie Children's Hospital of Chicago
Classification: Uncertain significance for Fanconi anemia complementation group L. Last evaluated: 2021-03-30. Review status: criteria provided, single submitter. Criteria: ACMG Guidelines, 2015. Collection method: clinical testing. Allele origin: germline.
Comment: FANCL NM_018062.3 exon2 p.Lys49_Asn50delinsAsnTyr (c.147_148delinsTT): This variant has not been reported in the literature and is not present in large control databases. Evolutionary conservation and computational predictive tools for this variant are limited or unavailable. This variant represents an in-frame deletion of 2 amino acids (Lysine and Asparagine) at position 49 and 50 and the insertion of 2 amino acids (Asparagine and Tyrosine) at these same positions. This variant is not predicted to alter the reading frame. However, the effect of this variant on the protein is unclear. In summary, data on this variant is insufficient for disease classification. Therefore, the clinical significance of this variant is uncertain.

NM_018062.4(FANCL):c.148delinsTT (p.Asn50fs)

Gene: FANCL (FA complementation group L; minus strand). Cytogenetic location: 2p16.1.
Variant type: Indel.
Coding change: c.148delinsTT on transcript NM_018062.4 (MANE Select); coding-DNA position 148, A replaced by TT.
Protein change: p.Asn50fs; shifts the reading frame from asparagine 50.
Molecular consequence: frameshift variant.
Genome position (GRCh38, 1-based): chr2:58,232,061, T replaced by AA on the plus strand (A replaced by TT on the coding strand, the reverse complement: FANCL is on the minus strand). VCF-style: chr2-58232061-T-AA. GRCh37 (hg19) VCF-style: chr2-58459196-T-AA.
Other names: c.148delAinsTT, p.Asn50Leufs (NM_001114636.2); c.148delinsTT, p.Asn50fs (NM_001374615.1, NM_001410792.1); short protein forms N50fs.
Identifiers: ClinVar variation 2501746 (VCV002501746.1), dbSNP rs2467546639, ClinGen allele CA2580611641.